The following is an entry in ClinVar:

NM_000124.4(ERCC6):c.4150C>T (p.Leu1384Phe)

Gene: ERCC6 (ERCC excision repair 6, chromatin remodeling factor; minus strand). Cytogenetic location: 10q11.23.
Variant type: single nucleotide variant.
Coding change: c.4150C>T on transcript NM_000124.4 (MANE Select); coding-DNA position 4150, C replaced by T.
Protein change: p.Leu1384Phe; replaces leucine 1384 with phenylalanine.
Molecular consequence: missense variant.
Genome position (GRCh38, 1-based): chr10:49,459,147, G>A on the plus strand (C>T on the coding strand, the complement: ERCC6 is on the minus strand). VCF-style: chr10-49459147-G-A. GRCh37 (hg19) VCF-style: chr10-50667193-G-A.
Other names: c.4150C>T, p.Leu1384Phe (NM_001346440.2); short protein forms L1384F.
Identifiers: ClinVar variation 2189838 (VCV002189838.1), dbSNP rs750916757, ClinGen allele CA5495164.

ClinVar aggregate classification (germline): Uncertain significance (1 of 4 stars; one submission).

Allele frequency attached by ClinVar (database versions not stated): ExAC 0.00001; gnomAD exomes 0.00001.
gnomAD v4.1: 22 of 1,614,096 alleles (0.0014%); highest among the groups gnomAD compares: Non-Finnish European, 0.0018%; no homozygotes.

Submission:

Labcorp Genetics (formerly Invitae), Labcorp
Classification: Uncertain significance. Last evaluated: 2022-06-27. Review status: criteria provided, single submitter. Criteria: Invitae Variant Classification Sherloc (09022015). Collection method: clinical testing. Allele origin: germline.
Comment: This sequence change replaces leucine, which is neutral and non-polar, with phenylalanine, which is neutral and non-polar, at codon 1384 of the ERCC6 protein (p.Leu1384Phe). This variant is present in population databases (rs750916757, gnomAD 0.002%). This variant has not been reported in the literature in individuals affected with ERCC6-related conditions. Algorithms developed to predict the effect of missense changes on protein structure and function are either unavailable or do not agree on the potential impact of this missense change (SIFT: "Tolerated"; PolyPhen-2: "Possibly Damaging"; Align-GVGD: "Class C0"). In summary, the available evidence is currently insufficient to determine the role of this variant in disease. Therefore, it has been classified as a Variant of Uncertain Significance.